The following is an entry in ClinVar:

ClinVar aggregate classification (germline): Uncertain significance (1 of 4 stars; one submission).

Conditions:
Hereditary cancer-predisposing syndrome. Also called: Hereditary Cancer Syndrome; Hereditary neoplastic syndrome; Neoplastic Syndromes, Hereditary; Tumor predisposition. Identifiers: Orphanet 140162, MedGen C0027672, MeSH D009386, MONDO:0015356.

Submission:

Ambry Genetics
Classification: Uncertain significance for Hereditary cancer-predisposing syndrome. Last evaluated: 2023-02-08. Review status: criteria provided, single submitter. Criteria: Ambry Variant Classification Scheme 2023. Collection method: clinical testing. Allele origin: germline.
Comment: The p.H198Q variant (also known as c.594C>G), located in coding exon 3 of the TMEM127 gene, results from a C to G substitution at nucleotide position 594. The histidine at codon 198 is replaced by glutamine, an amino acid with highly similar properties. This amino acid position is highly conserved in available vertebrate species. In addition, the in silico prediction for this alteration is inconclusive. Since supporting evidence is limited at this time, the clinical significance of this alteration remains unclear.

NM_017849.4(TMEM127):c.594C>G (p.His198Gln)

Gene: TMEM127 (transmembrane protein 127; minus strand). Cytogenetic location: 2q11.2.
Variant type: single nucleotide variant.
Coding change: c.594C>G on transcript NM_017849.4 (MANE Select); coding-DNA position 594, C replaced by G.
Protein change: p.His198Gln; replaces histidine 198 with glutamine.
Molecular consequence: missense variant.
Genome position (GRCh38, 1-based): chr2:96,253,931, G>C on the plus strand (C>G on the coding strand, the complement: TMEM127 is on the minus strand). VCF-style: chr2-96253931-G-C. GRCh37 (hg19) VCF-style: chr2-96919669-G-C.
Other names: c.594C>G, p.His198Gln (NM_001193304.3); c.342C>G, p.His114Gln (NM_001407282.1, NM_001407283.1); short protein forms H114Q, H198Q.
Identifiers: ClinVar variation 1750659 (VCV001750659.3), dbSNP rs2104283689, ClinGen allele CA347652088.
Genomic context (GRCh38, chr2:96,253,931, plus strand): 5'-CTCGTTCTCTTCCATCTCTGAGAGCAGCTCCAGCGCCTGCTCCTCTTCCTCTGTGGGGTA[G>C]TGGCGCAGGAGGTTGGCTGCCGTGGCCAGGATTGAGGCTCCACCAGCTCCTGCCACCAGG-3'
Protein context (NP_060319.1, residues 188-208): ILATAANLLR[His198Gln]YPTEEEEQAL